The following is an entry in ClinVar:

NM_018558.4(GABRQ):c.834C>T (p.Leu278=)

Genes: GABRQ (gamma-aminobutyric acid type A receptor subunit theta; plus strand), MAGEA3-DT (MAGEA3 divergent transcript; minus strand). Cytogenetic location: Xq28.
Variant type: single nucleotide variant.
Coding change: c.834C>T on transcript NM_018558.4 (MANE Select); coding-DNA position 834, C replaced by T.
Protein change: p.Leu278=; no amino-acid change (leucine 278 retained).
Molecular consequence: synonymous variant.
Genome position (GRCh38, 1-based): chrX:152,650,513, C>T. VCF-style: chrX-152650513-C-T. GRCh37 (hg19) VCF-style: chrX-151818976-C-T.
Identifiers: ClinVar variation 2661670 (VCV002661670.24), dbSNP rs782332461, ClinGen allele CA10543565.

ClinVar aggregate classification (germline): Likely benign (1 of 4 stars; one submission).

Allele frequency attached by ClinVar (database versions not stated): ExAC 0.00001.

Submission:

CeGaT Center for Human Genetics Tuebingen
Classification: Likely benign. Last evaluated: 2023-05-01. Review status: criteria provided, single submitter. Criteria: CeGaT Center For Human Genetics Tuebingen Variant Classification Criteria Version 2. Collection method: clinical testing. Allele origin: germline. Affected: yes. Observed: 1 variant allele.
Comment: GABRQ: BP4, BP7